The following is an entry in ClinVar:

NM_019844.4(SLCO1B3):c.227-5del

Genes: SLCO1B3 (solute carrier organic anion transporter family member 1B3; plus strand), SLCO1B3-SLCO1B7 (SLCO1B3-SLCO1B7 readthrough; plus strand). Cytogenetic location: 12p12.2.
Variant type: Deletion.
Coding change: c.227-5del on transcript NM_019844.4 (MANE Select); 5 bases into the intron before coding-DNA position 227, one base deleted (T; older notation c.227-5delT).
Molecular consequence: intron variant.
Genome position (GRCh38, 1-based): chr12:20,858,434, T deleted; the last of 8 consecutive T bases (chr12:20,858,427-20,858,434); deleting any one gives the same sequence. VCF-style (leftmost placement, unchanged base first): chr12-20858426-GT-G. GRCh37 (hg19) VCF-style: chr12-21011360-GT-G.
Other names: c.143-5del (NM_001349920.2); c.227-5del (NM_001371097.1).
Identifiers: ClinVar variation 4984687 (VCV004984687.1).

ClinVar aggregate classification (germline): Likely benign (1 of 4 stars; one submission).

Conditions:
SLCO1B3-related disorder. Also called: SLCO1B3-related condition.

Submission:

PreventionGenetics, part of Exact Sciences
Classification: Likely benign for SLCO1B3-related condition. Last evaluated: 2024-12-06. Review status: criteria provided, single submitter. Criteria: ACMG Guidelines, 2015. Collection method: clinical testing. Allele origin: germline.
Comment: This variant is classified as likely benign based on ACMG/AMP sequence variant interpretation guidelines (Richards et al. 2015 PMID: 25741868, with internal and published modifications).